The following is an entry in ClinVar:

ClinVar aggregate classification (germline): Conflicting classifications of pathogenicity. Review status: criteria provided, conflicting classifications (1 of 4 stars). 3 submissions from 3 submitters: Uncertain significance (1); Likely benign (2). Last evaluated 2025-10-25.

Conditions:
OTOA-related disorder. Also called: OTOA-related condition.

Allele frequency attached by ClinVar (database versions not stated): ExAC 0.00005; gnomAD exomes 0.00005 and 0.00007; gnomAD 0.00006 and 0.00007; TOPMed 0.00006; ESP Exome Variant Server 0.00008.
gnomAD v4.1: 108 of 1,613,976 alleles (0.0067%); highest among the groups gnomAD compares: Non-Finnish European, 0.0089%; no homozygotes.

Submissions (3):

PreventionGenetics, part of Exact Sciences
Classification: Likely benign for OTOA-related condition. Last evaluated: 2025-10-25. Review status: criteria provided, single submitter. Criteria: ACMG Guidelines, 2015. Collection method: clinical testing. Allele origin: germline.
Comment: This variant is classified as likely benign based on ACMG/AMP sequence variant interpretation guidelines (Richards et al. 2015 PMID: 25741868, with internal and published modifications).

Labcorp Genetics (formerly Invitae), Labcorp
Classification: Likely benign. Last evaluated: 2024-01-31. Review status: criteria provided, single submitter. Criteria: Invitae Variant Classification Sherloc (09022015). Collection method: clinical testing. Allele origin: germline.

Eurofins Ntd Llc (ga)
Classification: Uncertain significance. Last evaluated: 2015-09-25. Review status: criteria provided, single submitter. Criteria: EGL Classification Definitions 2015. Collection method: clinical testing. Allele origin: germline. Observed: 1 variant allele, 1 heterozygote.

NM_144672.4(OTOA):c.1488+8G>A

Gene: OTOA (otoancorin). Cytogenetic location: 16p12.2.
Variant type: single nucleotide variant.
Coding change: c.1488+8G>A on transcript NM_144672.4 (MANE Select); 8 bases into the intron after coding-DNA position 1488, G replaced by A.
Molecular consequence: intron variant.
Genome position (GRCh38, 1-based): chr16:21,715,160, G>A. VCF-style: chr16-21715160-G-A. GRCh37 (hg19) VCF-style: chr16-21726481-G-A.
Other names: c.1251+8G>A (NM_001161683.2); c.516+8G>A (NM_170664.3); c.1488+8G>A (NM_144672.3).
Identifiers: ClinVar variation 283088 (VCV000283088.13), dbSNP rs375767505, ClinGen allele CA7952644.